The following is an entry in ClinVar:

ClinVar aggregate classification (germline): Uncertain significance (1 of 4 stars; one submission).

Conditions:
Ataxia-telangiectasia syndrome (AT). Also called: Ataxia-telangiectasia, complementation group D; AT, COMPLEMENTATION GROUP C; Ataxia telangiectasia (A-T); Cerebello-oculocutaneous telangiectasia; Immunodeficiency with ataxia telangiectasia; ATAXIA-TELANGIECTASIA, COMPLEMENTATION GROUP A. Identifiers: Orphanet 100, MedGen C0004135, MONDO:0008840, OMIM 208900.

Submission:

Labcorp Genetics (formerly Invitae), Labcorp
Classification: Uncertain significance for Ataxia-telangiectasia syndrome. Last evaluated: 2018-09-25. Review status: criteria provided, single submitter. Criteria: Invitae Variant Classification Sherloc (09022015). Collection method: clinical testing. Allele origin: germline.
Comment: In summary, the available evidence is currently insufficient to determine the role of this variant in disease. Therefore, it has been classified as a Variant of Uncertain Significance. Algorithms developed to predict the effect of missense changes on protein structure and function are either unavailable or do not agree on the potential impact of this missense change (SIFT: "Tolerated"; PolyPhen-2: "Possibly Damaging"; Align-GVGD: "Class C0"). This variant has not been reported in the literature in individuals with ATM-related disease. This variant is not present in population databases (ExAC no frequency). This sequence change replaces proline with leucine at codon 1526 of the ATM protein (p.Pro1526Leu). The proline residue is moderately conserved and there is a moderate physicochemical difference between proline and leucine.

NM_000051.4(ATM):c.4577_4578delinsTT (p.Pro1526Leu)

Gene: ATM (ATM serine/threonine kinase; plus strand). Cytogenetic location: 11q22.3.
Variant type: Indel.
Coding change: c.4577_4578delinsTT on transcript NM_000051.4 (MANE Select); coding-DNA positions 4577 to 4578, CC replaced by TT.
Protein change: p.Pro1526Leu; replaces proline 1526 with leucine.
Molecular consequence: missense variant.
Genome position (GRCh38, 1-based): chr11:108,292,759-108,292,760, CC replaced by TT. VCF-style: chr11-108292759-CC-TT. GRCh37 (hg19) VCF-style: chr11-108163486-CC-TT.
Other names: c.4577_4578delCCinsTT (NM_000051.3); c.4577_4578delinsTT, p.Pro1526Leu (NM_001351834.2); short protein forms P1526L.
Identifiers: ClinVar variation 665329 (VCV000665329.7), dbSNP rs1591674732, ClinGen allele CA915944423.